The following is an entry in ClinVar:

NM_000263.4(NAGLU):c.1496G>C (p.Arg499Pro)

Gene: NAGLU (N-acetyl-alpha-glucosaminidase; plus strand). Cytogenetic location: 17q21.2.
Variant type: single nucleotide variant.
Coding change: c.1496G>C on transcript NM_000263.4 (MANE Select); coding-DNA position 1496, G replaced by C.
Protein change: p.Arg499Pro; replaces arginine 499 with proline.
Molecular consequence: missense variant.
Genome position (GRCh38, 1-based): chr17:42,543,502, G>C. VCF-style: chr17-42543502-G-C. GRCh37 (hg19) VCF-style: chr17-40695520-G-C.
Other names: short protein forms R499P.
Identifiers: ClinVar variation 4994848 (VCV004994848.1).
Genomic context (GRCh38, chr17:42,543,502, plus strand): 5'-CCGCCCGGCGGTATGGGGTCTCCCACCCGGACGCAGGGGCAGCGTGGAGGCTACTGCTCC[G>C]GAGTGTGTACAACTGCTCCGGGGAGGCCTGCAGGGGCCACAATCGTAGCCCGCTGGTCAG-3'
Protein context (NP_000254.2, residues 489-509): DAGAAWRLLL[Arg499Pro]SVYNCSGEAC

ClinVar aggregate classification (germline): Uncertain significance (1 of 4 stars; one submission).

Conditions:
NAGLU-related disorder. Also called: NAGLU-related condition.

gnomAD v4.1: 2 of 1,603,828 alleles (0.00012%); highest among the groups gnomAD compares: Non-Finnish European, 0.00017%; no homozygotes.

Submission:

PreventionGenetics, part of Exact Sciences
Classification: Uncertain significance for NAGLU-related condition. Last evaluated: 2025-11-25. Review status: criteria provided, single submitter. Criteria: ACMG Guidelines, 2015. Collection method: clinical testing. Allele origin: germline.
Comment: The NAGLU c.1496G>C variant is predicted to result in the amino acid substitution p.Arg499Pro. To our knowledge, this variant has not been reported in the literature or in a large population database (gnomAD), indicating this variant is rare. At this time, the clinical significance of this variant is uncertain due to the absence of conclusive functional and genetic evidence.